The following is an entry in ClinVar:

NM_001033855.3(DCLRE1C):c.1185T>A (p.Asp395Glu)

Gene: DCLRE1C (DNA cross-link repair 1C; minus strand). Cytogenetic location: 10p13.
Variant type: single nucleotide variant.
Coding change: c.1185T>A on transcript NM_001033855.3 (MANE Select); coding-DNA position 1185, T replaced by A.
Protein change: p.Asp395Glu; replaces aspartic acid 395 with glutamic acid.
Molecular consequence: missense variant. On other transcripts: non-coding transcript variant (4).
Genome position (GRCh38, 1-based): chr10:14,909,302, A>T on the plus strand (T>A on the coding strand, the complement: DCLRE1C is on the minus strand). VCF-style: chr10-14909302-A-T. GRCh37 (hg19) VCF-style: chr10-14951301-A-T.
Other names: c.840T>A, p.Asp280Glu (NM_022487.4, NM_001289076.2, NM_001289078.2 and 1 more transcripts); c.825T>A, p.Asp275Glu (NM_001033857.3, NM_001033858.3, NM_001289077.2 and 2 more transcripts); c.1185T>A, p.Asp395Glu (NM_001350965.2); short protein forms D275E, D395E, D280E.
Identifiers: ClinVar variation 2118563 (VCV002118563.4), dbSNP rs752292924, ClinGen allele CA376076813.
Genomic context (GRCh38, chr10:14,909,302, plus strand): 5'-TACCTCAGGGTGAAAAGTTTCCGGGTATGGAACTTTGTGCCTTAAAGGTATTGGCAGAGG[A>T]TCATCAAAGAGATAGTCATCTTCCTCCTCTGTGGGACAAACAAAACAGGTTTATAGGAAA-3'
Protein context (NP_001029027.1, residues 385-405): SEEEDDYLFD[Asp395Glu]PLPIPLRHKV

ClinVar aggregate classification (germline): Uncertain significance (1 of 4 stars; one submission).

Conditions:
Severe combined immunodeficiency due to DCLRE1C deficiency (RS-SCID). Also called: SCID, AUTOSOMAL RECESSIVE, T CELL-NEGATIVE, B CELL-NEGATIVE, NK CELL-POSITIVE, WITH SENSITIVITY TO IONIZING RADIATION. Identifiers: Orphanet 275, MedGen C1865371, MONDO:0011225, OMIM 602450.

Submission:

Labcorp Genetics (formerly Invitae), Labcorp
Classification: Uncertain significance for Athabaskan severe combined immunodeficiency. Last evaluated: 2023-10-22. Review status: criteria provided, single submitter. Criteria: Invitae Variant Classification Sherloc (09022015). Collection method: clinical testing. Allele origin: germline.
Comment: This sequence change replaces aspartic acid, which is acidic and polar, with glutamic acid, which is acidic and polar, at codon 395 of the DCLRE1C protein (p.Asp395Glu). This variant is not present in population databases (gnomAD no frequency). This variant has not been reported in the literature in individuals affected with DCLRE1C-related conditions. ClinVar contains an entry for this variant (Variation ID: 2118563). An algorithm developed to predict the effect of missense changes on protein structure and function (PolyPhen-2) suggests that this variant is likely to be tolerated. In summary, the available evidence is currently insufficient to determine the role of this variant in disease. Therefore, it has been classified as a Variant of Uncertain Significance.